The following is an entry in ClinVar:

NM_001079872.2(CUL4B):c.1392A>G (p.Arg464=)

Gene: CUL4B (cullin 4B; minus strand). Cytogenetic location: Xq24.
Variant type: single nucleotide variant.
Coding change: c.1392A>G on transcript NM_001079872.2 (MANE Select); coding-DNA position 1392, A replaced by G.
Protein change: p.Arg464=; no amino-acid change (arginine 464 retained).
Molecular consequence: synonymous variant.
Genome position (GRCh38, 1-based): chrX:120,541,653, T>C on the plus strand (A>G on the coding strand, the complement: CUL4B is on the minus strand). VCF-style: chrX-120541653-T-C. GRCh37 (hg19) VCF-style: chrX-119675508-T-C.
Other names: c.1446A>G (NM_003588.3); c.1407A>G, p.Arg469= (NM_001330624.2); c.858A>G, p.Arg286= (NM_001369145.1); c.1446A>G, p.Arg482= (NM_003588.4).
Identifiers: ClinVar variation 2141907 (VCV002141907.5), dbSNP rs749131350, ClinGen allele CA334124189.

ClinVar aggregate classification (germline): Likely benign. Review status: criteria provided, multiple submitters, no conflicts (2 of 4 stars). 2 submissions from 2 submitters: Likely benign (2). Last evaluated 2025-07-15.

Conditions:
X-linked intellectual disability Cabezas type (MRXSC). Also called: CABEZAS SYNDROME; MENTAL RETARDATION, X-LINKED, SYNDROMIC 15; Intellectual developmental disorder, X-linked syndromic, Cabezas type. Identifiers: Orphanet 85289, Orphanet 85293, MedGen C1845861, MONDO:0010306, OMIM 300354.
CUL4B-related disorder. Also called: CUL4B-related condition.

Allele frequency attached by ClinVar (database versions not stated): TOPMed below 0.00001; gnomAD 0.00001; gnomAD exomes 0.00001.

Submissions (2):

PreventionGenetics, part of Exact Sciences
Classification: Likely benign for CUL4B-related condition. Last evaluated: 2025-07-15. Review status: criteria provided, single submitter. Criteria: ACMG Guidelines, 2015. Collection method: clinical testing. Allele origin: germline.
Comment: This variant is classified as likely benign based on ACMG/AMP sequence variant interpretation guidelines (Richards et al. 2015 PMID: 25741868, with internal and published modifications).

Labcorp Genetics (formerly Invitae), Labcorp
Classification: Likely benign for X-linked intellectual disability Cabezas type. Last evaluated: 2022-11-01. Review status: criteria provided, single submitter. Criteria: Invitae Variant Classification Sherloc (09022015). Collection method: clinical testing. Allele origin: germline.